The following is an entry in ClinVar:

NM_001349338.3(FOXP1):c.2020G>A (p.Glu674Lys)

Gene: FOXP1 (forkhead box P1; minus strand). Cytogenetic location: 3p13.
Variant type: single nucleotide variant.
Coding change: c.2020G>A on transcript NM_001349338.3 (MANE Select); coding-DNA position 2020, G replaced by A.
Protein change: p.Glu674Lys; replaces glutamic acid 674 with lysine.
Molecular consequence: missense variant. On other transcripts: non-coding transcript variant (2).
Genome position (GRCh38, 1-based): chr3:70,959,261, C>T on the plus strand (G>A on the coding strand, the complement: FOXP1 is on the minus strand). VCF-style: chr3-70959261-C-T. GRCh37 (hg19) VCF-style: chr3-71008412-C-T.
Other names: c.2017G>A, p.Glu673Lys (NM_001244808.3, NM_001349341.3); c.2068G>A, p.Glu690Lys (NM_001244810.2); c.1792G>A, p.Glu598Lys (NM_001244812.3); c.1720G>A, p.Glu574Lys (NM_001244813.3, NM_001244815.2, NM_001349342.3); c.2020G>A, p.Glu674Lys (NM_001244814.3, NM_001244816.2, NM_001349340.3 and 1 more transcripts); c.1717G>A, p.Glu573Lys (NM_001349337.2, NM_001349343.3, NM_001349344.3 and 1 more transcripts); short protein forms E674K, E574K, E598K, E690K, E573K, E673K.
Identifiers: ClinVar variation 284392 (VCV000284392.15), dbSNP rs368167189, ClinGen allele CA2490755.

ClinVar aggregate classification (germline): Conflicting classifications of pathogenicity. Review status: criteria provided, conflicting classifications (1 of 4 stars). 6 submissions from 6 submitters: Uncertain significance (5); Likely benign (1). Last evaluated 2023-12-19.

Conditions:
Inborn genetic diseases. Identifiers: MedGen C0950123, MeSH D030342.
Intellectual disability-severe speech delay-mild dysmorphism syndrome (IDDLA). Also called: Mental retardation with language impairment and autistic features; Intellectual developmental disorder with language impairment AND with or without autistic features; FOXP1 Syndrome. Identifiers: Orphanet 391372, MedGen C4013764, MONDO:0013352, OMIM 613670.

Allele frequency attached by ClinVar (database versions not stated): ExAC 0.00001; gnomAD exomes 0.00001; gnomAD 0.00003; TOPMed 0.00006; ESP Exome Variant Server 0.00015.
gnomAD v4.1: 14 of 1,613,346 alleles (0.00087%); highest among the groups gnomAD compares: African/African-American, 0.0013%; no homozygotes.

Submissions (6):

Labcorp Genetics (formerly Invitae), Labcorp
Classification: Uncertain significance. Last evaluated: 2023-12-19. Review status: criteria provided, single submitter. Criteria: Invitae Variant Classification Sherloc (09022015). Collection method: clinical testing. Allele origin: germline.
Comment: This sequence change replaces glutamic acid, which is acidic and polar, with lysine, which is basic and polar, at codon 674 of the FOXP1 protein (p.Glu674Lys). This variant is present in population databases (rs368167189, gnomAD 0.003%). This variant has not been reported in the literature in individuals affected with FOXP1-related conditions. ClinVar contains an entry for this variant (Variation ID: 284392). Advanced modeling of protein sequence and biophysical properties (such as structural, functional, and spatial information, amino acid conservation, physicochemical variation, residue mobility, and thermodynamic stability) has been performed at Invitae for this missense variant, however the output from this modeling did not meet the statistical confidence thresholds required to predict the impact of this variant on FOXP1 protein function. In summary, the available evidence is currently insufficient to determine the role of this variant in disease. Therefore, it has been classified as a Variant of Uncertain Significance.

Ambry Genetics
Classification: Likely benign for Inborn genetic diseases. Last evaluated: 2023-05-05. Review status: criteria provided, single submitter. Criteria: Ambry Variant Classification Scheme 2023. Collection method: clinical testing. Allele origin: germline.

Fulgent Genetics
Classification: Uncertain significance for Intellectual disability-severe speech delay-mild dysmorphism syndrome. Last evaluated: 2022-01-17. Review status: criteria provided, single submitter. Criteria: ACMG Guidelines, 2015. Collection method: clinical testing. Allele origin: unknown.

New York Genome Center
Classification: Uncertain significance for Intellectual disability-severe speech delay-mild dysmorphism syndrome. Last evaluated: 2021-06-11. Review status: criteria provided, single submitter. Criteria: NYGC Assertion Criteria 2020. Collection method: clinical testing. Allele origin: inherited. Observed: 1 heterozygote. Study: CSER-NYCKidSeq.

GeneDx
Classification: Uncertain significance. Last evaluated: 2019-10-21. Review status: criteria provided, single submitter. Criteria: GeneDx Variant Classification Process June 2021. Collection method: clinical testing. Allele origin: germline. Affected: yes.
Comment: Not observed at a significant frequency in large population cohorts (Lek et al., 2016); In silico analysis, which includes protein predictors and evolutionary conservation, supports that this variant does not alter protein structure/function; Has not been previously published as pathogenic or benign to our knowledge

Eurofins Ntd Llc (ga)
Classification: Uncertain significance. Last evaluated: 2015-11-10. Review status: criteria provided, single submitter. Criteria: EGL Classification Definitions 2015. Collection method: clinical testing. Allele origin: germline. Observed: 1 variant allele, 1 heterozygote.